The following is an entry in ClinVar:

ClinVar aggregate classification (germline): Uncertain significance (1 of 4 stars; one submission).

Conditions:
Inborn genetic diseases. Identifiers: MedGen C0950123, MeSH D030342.

Submission:

Ambry Genetics
Classification: Uncertain significance for Inborn genetic diseases. Last evaluated: 2025-10-14. Review status: criteria provided, single submitter. Criteria: Ambry Variant Classification Scheme 2023. Collection method: clinical testing. Allele origin: germline.
Comment: The p.I1057V variant (also known as c.3169A>G), located in coding exon 14 of the FANCM gene, results from an A to G substitution at nucleotide position 3169. The isoleucine at codon 1057 is replaced by valine, an amino acid with highly similar properties. This amino acid position is conserved. In addition, this alteration is predicted to be tolerated by in silico analysis. Based on the available evidence, the clinical significance of this variant remains unclear.

NM_020937.4(FANCM):c.3169A>G (p.Ile1057Val)

Gene: FANCM (FA complementation group M; plus strand). Cytogenetic location: 14q21.2.
Variant type: single nucleotide variant.
Coding change: c.3169A>G on transcript NM_020937.4 (MANE Select); coding-DNA position 3169, A replaced by G.
Protein change: p.Ile1057Val; replaces isoleucine 1057 with valine.
Molecular consequence: missense variant.
Genome position (GRCh38, 1-based): chr14:45,175,923, A>G. VCF-style: chr14-45175923-A-G. GRCh37 (hg19) VCF-style: chr14-45645126-A-G.
Other names: c.3091A>G, p.Ile1031Val (NM_001308133.2); short protein forms I1031V, I1057V.
Identifiers: ClinVar variation 4619486 (VCV004619486.1).